The following is an entry in ClinVar:

ClinVar aggregate classification (germline): Pathogenic/Likely pathogenic. Review status: criteria provided, multiple submitters, no conflicts (2 of 4 stars). 10 submissions from 10 submitters: Pathogenic (8); Likely pathogenic (1). 1 of the submissions does not count toward it. Last evaluated 2025-08-30.

Conditions:
Inborn genetic diseases. Identifiers: MedGen C0950123, MeSH D030342.
ALG12-congenital disorder of glycosylation (CDG1G). Also called: Congenital disorder of glycosylation, type Ig; CDG Ig; ALG12-CDG. Identifiers: Orphanet 79324, MedGen C2931001, MONDO:0011783, OMIM 607143.

Submissions (10):

Labcorp Genetics (formerly Invitae), Labcorp
Classification: Pathogenic for ALG12-congenital disorder of glycosylation. Last evaluated: 2025-08-30. Review status: criteria provided, single submitter. Criteria: Invitae Variant Classification Sherloc (09022015). Collection method: clinical testing. Allele origin: germline.
Comment: This sequence change creates a premature translational stop signal (p.Asn334Thrfs*15) in the ALG12 gene. It is expected to result in an absent or disrupted protein product. Loss-of-function variants in ALG12 are known to be pathogenic (PMID: 15639192, 31481313). This variant is present in population databases (rs759244819, gnomAD 0.02%). This premature translational stop signal has been observed in individual(s) with clinical features of congenital disorders of glycosylation (PMID: 25019053, 31481313). It has also been observed to segregate with disease in related individuals. ClinVar contains an entry for this variant (Variation ID: 242854). For these reasons, this variant has been classified as Pathogenic.

ARUP Laboratories, Molecular Genetics and Genomics, ARUP Laboratories
Classification: Pathogenic for ALG12-congenital disorder of glycosylation. Last evaluated: 2024-03-19. Review status: criteria provided, single submitter. Criteria: ARUP Molecular Germline Variant Investigation Process 2024. Collection method: clinical testing. Allele origin: germline.
Comment: The ALG12 c.1001del; p.Asn334ThrfsTer15 variant (rs759244819; ClinVar Variation ID: 242854) is reported in the literature in the compound heterozygous state in individuals affected with congenital disorder of glycosylation (Murali 2014, Tahata 2019). This variant is found in the general population with an overall allele frequency of 0.005% (13/251,142 alleles) in the Genome Aggregation Database (v2.1.1). This variant causes a frameshift by deleting a single nucleotide, so it is predicted to result in a truncated protein or mRNA subject to nonsense-mediated decay. Based on available information, this variant is considered to be pathogenic. References: Murali C et al. Diagnosis of ALG12-CDG by exome sequencing in a case of severe skeletal dysplasia. Mol Genet Metab Rep. 2014;1:213-219. PMID: 25019053. Tahata S et al. Complex phenotypes in ALG12-congenital disorder of glycosylation (ALG12-CDG): Case series and review of the literature. Mol Genet Metab. 2019 Dec;128(4):409-414. PMID: 31481313.

Women's Health and Genetics/Laboratory Corporation of America, LabCorp
Classification: Pathogenic for ALG12-congenital disorder of glycosylation. Last evaluated: 2024-02-27. Review status: criteria provided, single submitter. Criteria: LabCorp Variant Classification Summary - May 2015. Collection method: clinical testing. Allele origin: germline.
Comment: Variant summary: ALG12 c.1001delA (p.Asn334ThrfsX15) results in a premature termination codon, predicted to cause a truncation of the encoded protein or absence of the protein due to nonsense mediated decay, which are commonly known mechanisms for disease. The variant allele was found at a frequency of 5.2e-05 in 251142 control chromosomes. c.1001delA has been reported in the literature in individuals affected with ALG12-Congenital Disorder Of Glycosylation (e.g. Murali_2014). To our knowledge, no experimental evidence demonstrating an impact on protein function has been reported. The following publication have been ascertained in the context of this evaluation (PMID: 25019053). ClinVar contains an entry for this variant (Variation ID: 242854). Based on the evidence outlined above, the variant was classified as pathogenic.

3billion
Classification: Pathogenic for ALG12-congenital disorder of glycosylation. Last evaluated: 2023-12-01. Review status: criteria provided, single submitter. Criteria: ACMG Guidelines, 2015. Collection method: clinical testing. Allele origin: germline. Affected: yes.
Comment: The variant is observed at an extremely low frequency in the gnomAD v2.1.1 dataset (total allele frequency: 0.005%). Predicted Consequence/Location: Frameshift: predicted to result in a loss or disruption of normal protein function through nonsense-mediated decay (NMD) or protein truncation. Multiple pathogenic variants are reported downstream of the variant. The variant has been reported at least twice as pathogenic with clinical assertions and evidence for the classification (ClinVar ID: VCV000242854 /PMID: 25019053 /3billion dataset). Therefore, this variant is classified as Pathogenic according to the recommendation of ACMG/AMP guideline.

GeneDx
Classification: Pathogenic. Last evaluated: 2023-07-24. Review status: criteria provided, single submitter. Criteria: GeneDx Variant Classification Process June 2021. Collection method: clinical testing. Allele origin: germline. Affected: yes.
Comment: Frameshift variant predicted to result in protein truncation or nonsense mediated decay in a gene for which loss-of-function is a known mechanism of disease; This variant is associated with the following publications: (PMID: 31589614, 31481313, 33144682, 25019053, 33413482)

Ambry Genetics
Classification: Pathogenic for Inborn genetic diseases. Last evaluated: 2020-07-23. Review status: criteria provided, single submitter. Criteria: Ambry Variant Classification Scheme 2023. Collection method: clinical testing. Allele origin: germline.
Comment: The alteration results in a premature stop codon: _x000D_ _x000D_ The c.1001delA (p.N334Tfs*15) alteration, located in exon 8 (coding exon 7) of the ALG12 gene, results from a deletion of one nucleotide at position 1001, causing a translational frameshift with a predicted alternate stop codon after 15 amino acids. This alteration is expected to result in loss of function by premature protein truncation or nonsense-mediated mRNA decay. The alteration is rare in population databases:_x000D_ _x000D_ Based on data from the Genome Aggregation Database (gnomAD) database, the ALG12 c.1001delA alteration was observed in <0.01% (13/251142) of total alleles studied, with a frequency of 0.03% (9/34584) in the Latino subpopulation. The alteration has been observed in affected individuals: _x000D_ _x000D_ This alteration was reported with another frameshift alteration, c.117delG (p.Q40Rfs*34), in ALG12 in an infant with rhizomelic short stature, talipes equinovarus, platyspondyly, and joint dislocations (Murali, 2014). Tahata, et al. (2019) reported this alteration in trans with c.671C>T (p.T224M) in two affected brothers who only had cognitive impairment and coagulation defects. Based on the available evidence, this alteration is classified as pathogenic.

Revvity Omics, Revvity
Classification: Likely pathogenic for ALG12-congenital disorder of glycosylation. Last evaluated: 2020-02-06. Review status: criteria provided, single submitter. Criteria: ACMG Guidelines, 2015. Collection method: clinical testing. Allele origin: germline.

Rady Children's Institute for Genomic Medicine, Rady Children's Hospital San Diego
Classification: Pathogenic for CONGENITAL DISORDER OF GLYCOSYLATION, TYPE Ig. Last evaluated: 2019-11-07. Review status: criteria provided, single submitter. Criteria: ACMG Guidelines, 2015. Collection method: clinical testing. Allele origin: germline. Affected: yes.
Comment: This frameshifting variant in exon 8 of 10 introduces a premature stop codon and is therefore predicted to result in loss of normal protein function. This variant has been previously reported as a compound heterozygous change in patients with Congenital disorder of glycosylation type Ig (PMID: 25019053). It is present in the heterozygous state in the gnomAD population database at a frequency of 0.0052% (13/251142) and thus is presumed to be rare. Based on the available evidence, the c.1001del (p.Asn334ThrfsTer15) variant is classified as Pathogenic.

Lupski Lab, Baylor-Hopkins CMG, Baylor College of Medicine
Classification: Pathogenic for ALG12-congenital disorder of glycosylation. Last evaluated: 2014-04-01. Review status: criteria provided, single submitter. Criteria: Murali et al. (Mol Genet Metab Rep. 2014). Collection method: clinical testing. Allele origin: germline. Inheritance: Autosomal recessive inheritance. Affected: yes. Observed: 1 variant allele, 1 compound heterozygote.

OMIM
Classification: Pathogenic for CONGENITAL DISORDER OF GLYCOSYLATION, TYPE Ig. Last evaluated: 2020-05-21. Review status: no assertion criteria provided. Collection method: literature only. Allele origin: germline. Not counted in ClinVar's aggregate classification.

Literature cited by the submitters: PubMed 15639192 (cited by Labcorp Genetics (formerly Invitae), Labcorp); PubMed 31481313 (cited by 3 submitters); PubMed 25019053 (cited by 5 submitters).

NM_024105.4(ALG12):c.1001del (p.Asn334fs)

Gene: ALG12 (ALG12 alpha-1,6-mannosyltransferase; minus strand). Cytogenetic location: 22q13.33.
Variant type: Deletion.
Coding change: c.1001del on transcript NM_024105.4 (MANE Select); coding-DNA position 1001, one base deleted (A; older notation c.1001delA).
Protein change: p.Asn334fs; shifts the reading frame from asparagine 334.
Molecular consequence: frameshift variant.
Genome position (GRCh38, 1-based): chr22:49,904,498, T deleted on the plus strand (A on the coding strand, the reverse complement: ALG12 is on the minus strand); the first of 2 consecutive T bases (chr22:49,904,498-49,904,499); deleting either gives the same sequence. VCF-style (leftmost placement, unchanged base first): chr22-49904497-GT-G. GRCh37 (hg19) VCF-style: chr22-50298145-GT-G.
Other names: c.1001del (NM_024105.3); c.1001delA (NM_024105.4); short protein forms N334fs.
Identifiers: ClinVar variation 242854 (VCV000242854.25), dbSNP rs759244819, ClinGen allele CA10300366.